The following is an entry in ClinVar:

NC_000023.10:g.(?_132670152)_(133634107_?)dup

Genes: MIR106A (microRNA 106a; minus strand), PHF6 (PHD finger protein 6; plus strand), CCDC160 (coiled-coil domain containing 160; plus strand), MIR19B2 (microRNA 19b-2; minus strand), HPRT1 (hypoxanthine phosphoribosyltransferase 1; plus strand) and 1 more. Cytogenetic location: Xq26.2-26.3.
Variant type: Duplication.
Identifiers: ClinVar variation 2422566 (VCV002422566.2).

ClinVar aggregate classification (germline): Uncertain significance (1 of 4 stars; one submission).

Conditions:
Partial hypoxanthine-guanine phosphoribosyltransferase deficiency. Also called: HYPOXANTHINE GUANINE PHOSPHORIBOSYLTRANSFERASE 1 DEFICIENCY, PARTIAL; Kelley-Seegmiller Syndrome; HPRT1 DEFICIENCY, PARTIAL; GOUT, HPRT-RELATED; HPRT DEFICIENCY, PARTIAL. Identifiers: Orphanet 79233, MedGen C0268117, MONDO:0010299, OMIM 300323.
Lesch-Nyhan syndrome (LNS). Also called: Lesch-Nyhan Disease (LND); HPRT DEFICIENCY, COMPLETE. Identifiers: Orphanet 510, MedGen C0023374, MONDO:0010298, OMIM 300322.

Submission:

Labcorp Genetics (formerly Invitae), Labcorp
Classification: Uncertain significance for Lesch-Nyhan syndrome; Partial hypoxanthine-guanine phosphoribosyltransferase deficiency. Last evaluated: 2021-09-16. Review status: criteria provided, single submitter. Criteria: Invitae Variant Classification Sherloc (09022015). Collection method: clinical testing. Allele origin: germline.
Comment: A copy number gain of the genomic region encompassing the full coding sequence of the HPRT1 gene has been identified. The boundaries of this event are unknown as they extend beyond the assayed region for this gene and therefore may encompass additional genes. As the precise location of this event is unknown, it may be in tandem or it may be located elsewhere in the genome. This variant has not been reported in the literature in individuals with HPRT1-related conditions. Experimental studies and prediction algorithms are not available or were not evaluated, and the functional significance of this variant is currently unknown. In summary, the available evidence is currently insufficient to determine the role of this variant in disease. Therefore, it has been classified as a Variant of Uncertain Significance.